The following is an entry in ClinVar:

NM_001130987.2(DYSF):c.3935A>G (p.Glu1312Gly)

Genes: DYSF (dysferlin; plus strand), LOC122787137 (CDK7 strongly-dependent group 2 enhancer GRCh37_chr2:71829831-71831030; plus strand). Cytogenetic location: 2p13.2.
Variant type: single nucleotide variant.
Coding change: c.3935A>G on transcript NM_001130987.2 (MANE Select); coding-DNA position 3935, A replaced by G.
Protein change: p.Glu1312Gly; replaces glutamic acid 1312 with glycine.
Molecular consequence: missense variant.
Genome position (GRCh38, 1-based): chr2:71,602,783, A>G. VCF-style: chr2-71602783-A-G. GRCh37 (hg19) VCF-style: chr2-71829913-A-G.
Other names: c.3884A>G, p.Glu1295Gly (NM_001130455.2, NM_001130983.2); c.3839A>G, p.Glu1280Gly (NM_001130976.2, NM_001130977.2); c.3881A>G, p.Glu1294Gly (NM_001130978.2, NM_003494.4); c.3974A>G, p.Glu1325Gly (NM_001130979.2); c.3932A>G, p.Glu1311Gly (NM_001130980.2, NM_001130981.2); c.3977A>G, p.Glu1326Gly (NM_001130982.2); c.3842A>G, p.Glu1281Gly (NM_001130984.2, NM_001130986.2); c.3935A>G, p.Glu1312Gly (NM_001130985.2); short protein forms E1295G, E1312G, E1325G, E1326G, E1280G, E1281G, E1294G, E1311G.
Identifiers: ClinVar variation 955680 (VCV000955680.12), dbSNP rs2093576892, ClinGen allele CA347226584.
Genomic context (GRCh38, chr2:71,602,783, plus strand): 5'-CCAACCCCTCTCACCATCTCCTGGATGTGCCACATCCCATGGCTGTGGGCCAGGTGCAGG[A>G]GACATCAAGGATCCTGGATGAGGTGAGCTGGGCGTGGTGGTTGGGATGGGTGGGCCGAGG-3'
Protein context (NP_001124459.1, residues 1302-1322): IHHIPGFEVQ[Glu1312Gly]TSRILDESED

ClinVar aggregate classification (germline): Uncertain significance. Review status: criteria provided, multiple submitters, no conflicts (2 of 4 stars). 2 submissions from 2 submitters: Uncertain significance (2). Last evaluated 2020-10-06.

Conditions:
Neuromuscular disease caused by qualitative or quantitative defects of dysferlin. Also called: Qualitative or quantitative defects of dysferlin; Dysferlinopathy. Identifiers: Orphanet 207073, MedGen C2931687, MONDO:0016145.

Allele frequency attached by ClinVar (database versions not stated): gnomAD below 0.00001 and 0.00001.
gnomAD v4.1: 1 of 1,613,206 alleles (0.000062%); highest among the groups gnomAD compares: South Asian, 0.0011%; no homozygotes.

Submissions (2):

Revvity Omics, Revvity
Classification: Uncertain significance. Last evaluated: 2020-10-06. Review status: criteria provided, single submitter. Criteria: ACMG Guidelines, 2015. Collection method: clinical testing. Allele origin: germline.

Labcorp Genetics (formerly Invitae), Labcorp
Classification: Uncertain significance for Neuromuscular disease caused by qualitative or quantitative defects of dysferlin. Last evaluated: 2019-11-08. Review status: criteria provided, single submitter. Criteria: Invitae Variant Classification Sherloc (09022015). Collection method: clinical testing. Allele origin: germline.
Comment: In summary, the available evidence is currently insufficient to determine the role of this variant in disease. Therefore, it has been classified as a Variant of Uncertain Significance. Algorithms developed to predict the effect of missense changes on protein structure and function output the following: SIFT: "Tolerated"; PolyPhen-2: "Benign"; Align-GVGD: "Class C0". The glycine amino acid residue is found in multiple mammalian species, suggesting that this missense change does not adversely affect protein function. These predictions have not been confirmed by published functional studies and their clinical significance is uncertain. This variant has not been reported in the literature in individuals with DYSF-related conditions. This variant is not present in population databases (ExAC no frequency). This sequence change replaces glutamic acid with glycine at codon 1294 of the DYSF protein (p.Glu1294Gly). The glutamic acid residue is weakly conserved and there is a moderate physicochemical difference between glutamic acid and glycine.